The following is an entry in ClinVar:

ClinVar aggregate classification (germline): Uncertain significance (1 of 4 stars; one submission).

Conditions:
Malignant hyperthermia, susceptibility to, 5 (MHS5). Also called: CACNA1S-Related Malignant Hyperthermia Susceptibility. Identifiers: Orphanet 423, MedGen C1866077, MONDO:0011163, OMIM 601887.

Submission:

All of Us Research Program, National Institutes of Health
Classification: Uncertain significance for Malignant hyperthermia, susceptibility to, 5. Last evaluated: 2024-04-16. Review status: criteria provided, single submitter. Criteria: ACMG Guidelines, 2015. Collection method: clinical testing. Allele origin: germline. Inheritance: Autosomal dominant inheritance. Observed: 1 variant allele, 1 heterozygote.
Comment: This missense variant replaces glutamic acid with lysine at codon 76 of the CACNA1S protein. Computational prediction suggests that this variant may not impact protein structure and function (internally defined REVEL score threshold <= 0.5, PMID: 27666373). To our knowledge, functional studies have not been reported for this variant. This variant has not been reported in individuals affected with CACNA1S-related disorders in the literature. This variant has not been identified in the general population by the Genome Aggregation Database (gnomAD). The available evidence is insufficient to determine the role of this variant in disease conclusively. Therefore, this variant is classified as a Variant of Uncertain Significance.

This study involves interpretation of variants in research participants for the purpose of population health screening. Participant phenotype was not available at the time of variant classification. Additional details can be found in publication PMID: 35346344, PMCID: PMC8962531

NM_000069.3(CACNA1S):c.226G>A (p.Glu76Lys)

Gene: CACNA1S (calcium voltage-gated channel subunit alpha1 S; minus strand). Cytogenetic location: 1q32.1.
Variant type: single nucleotide variant.
Coding change: c.226G>A on transcript NM_000069.3 (MANE Select); coding-DNA position 226, G replaced by A.
Protein change: p.Glu76Lys; replaces glutamic acid 76 with lysine.
Molecular consequence: missense variant.
Genome position (GRCh38, 1-based): chr1:201,110,196, C>T on the plus strand (G>A on the coding strand, the complement: CACNA1S is on the minus strand). VCF-style: chr1-201110196-C-T. GRCh37 (hg19) VCF-style: chr1-201079324-C-T.
Other names: short protein forms E76K.
Identifiers: ClinVar variation 3386409 (VCV003386409.1).